The following is an entry in ClinVar:

NM_138694.4(PKHD1):c.10464C>A (p.Asn3488Lys)

Gene: PKHD1 (PKHD1 ciliary IPT domain containing fibrocystin/polyductin; minus strand). Cytogenetic location: 6p12.3.
Variant type: single nucleotide variant.
Coding change: c.10464C>A on transcript NM_138694.4 (MANE Select); coding-DNA position 10464, C replaced by A.
Protein change: p.Asn3488Lys; replaces asparagine 3488 with lysine.
Molecular consequence: missense variant.
Genome position (GRCh38, 1-based): chr6:51,659,662, G>T on the plus strand (C>A on the coding strand, the complement: PKHD1 is on the minus strand). VCF-style: chr6-51659662-G-T. GRCh37 (hg19) VCF-style: chr6-51524460-G-T.
Other names: short protein forms N3488K.
Identifiers: ClinVar variation 3352291 (VCV003352291.1).

ClinVar aggregate classification (germline): Uncertain significance (0 of 4 stars; one submission).

Conditions:
PKHD1-related disorder. Also called: PKHD1-related condition.

gnomAD v4.1: 6 of 1,613,790 alleles (0.00037%); highest among the groups gnomAD compares: East Asian, 0.0067%; no homozygotes.

Submission:

PreventionGenetics, part of Exact Sciences
Classification: Uncertain significance for PKHD1-related condition. Last evaluated: 2024-08-31. Review status: no assertion criteria provided. Collection method: clinical testing. Allele origin: germline.
Comment: The PKHD1 c.10464C>A variant is predicted to result in the amino acid substitution p.Asn3488Lys. To our knowledge, this variant has not been reported in the literature. This variant is reported in 0.0065% of alleles in individuals of South Asian descent in gnomAD. At this time, the clinical significance of this variant is uncertain due to the absence of conclusive functional and genetic evidence.